The following is an entry in ClinVar:

NM_005802.5(TOPORS):c.2T>C (p.Met1Thr)

Genes: TOPORS (TOP1 binding arginine/serine rich protein, E3 ubiquitin ligase; minus strand), TZMP1 (transition zone microprotein 1; plus strand). Cytogenetic location: 9p21.1.
Variant type: single nucleotide variant.
Coding change: c.2T>C on transcript NM_005802.5 (MANE Select); coding-DNA position 2, T replaced by C.
Protein change: p.Met1Thr; changes the start codon (methionine 1).
Molecular consequence: missense variant, initiator codon variant. On other transcripts: non-coding transcript variant (2).
Genome position (GRCh38, 1-based): chr9:32,552,435, A>G on the plus strand (T>C on the coding strand, the complement: TOPORS is on the minus strand). VCF-style: chr9-32552435-A-G. GRCh37 (hg19) VCF-style: chr9-32552433-A-G.
Other names: c.1A>G, p.Met1Val (NM_001349118.1, NM_001349119.2, NM_001387564.1); c.2T>C, p.Met1Thr (NM_001195622.2); short protein forms M1T, M1V.
Identifiers: ClinVar variation 2994492 (VCV002994492.3), dbSNP rs1163689866, ClinGen allele CA373174192.

ClinVar aggregate classification (germline): Uncertain significance (1 of 4 stars; one submission).

Allele frequency attached by ClinVar (database versions not stated): gnomAD exomes below 0.00001; gnomAD 0.00001; TOPMed 0.00001.

Submission:

Labcorp Genetics (formerly Invitae), Labcorp
Classification: Uncertain significance. Last evaluated: 2023-10-14. Review status: criteria provided, single submitter. Criteria: Invitae Variant Classification Sherloc (09022015). Collection method: clinical testing. Allele origin: germline.
Comment: This sequence change affects the initiator methionine of the TOPORS mRNA. The next in-frame methionine is located at codon 68. The frequency data for this variant in the population databases is considered unreliable, as metrics indicate poor data quality at this position in the gnomAD database. This variant has not been reported in the literature in individuals affected with TOPORS-related conditions. Experimental studies and prediction algorithms are not available or were not evaluated, and the functional significance of this variant is currently unknown. In summary, the available evidence is currently insufficient to determine the role of this variant in disease. Therefore, it has been classified as a Variant of Uncertain Significance.